The following is an entry in ClinVar:

NM_138694.4(PKHD1):c.2539G>A (p.Val847Met)

Gene: PKHD1 (PKHD1 ciliary IPT domain containing fibrocystin/polyductin; minus strand). Cytogenetic location: 6p12.2.
Variant type: single nucleotide variant.
Coding change: c.2539G>A on transcript NM_138694.4 (MANE Select); coding-DNA position 2539, G replaced by A.
Protein change: p.Val847Met; replaces valine 847 with methionine.
Molecular consequence: missense variant.
Genome position (GRCh38, 1-based): chr6:52,046,057, C>T on the plus strand (G>A on the coding strand, the complement: PKHD1 is on the minus strand). VCF-style: chr6-52046057-C-T. GRCh37 (hg19) VCF-style: chr6-51910855-C-T.
Other names: c.2539G>A, p.Val847Met (NM_170724.3); short protein forms V847M.
Identifiers: ClinVar variation 969247 (VCV000969247.12), dbSNP rs778864835, ClinGen allele CA3853187.

ClinVar aggregate classification (germline): Uncertain significance. Review status: criteria provided, multiple submitters, no conflicts (2 of 4 stars). 4 submissions from 4 submitters: Uncertain significance (3). 1 of the submissions does not count toward it. Last evaluated 2024-12-02.

Conditions:
Autosomal recessive polycystic kidney disease (ARPKD). Also called: AR polycystic kidney disease. Identifiers: Orphanet 731, Orphanet 8378, MedGen C0085548, MeSH D017044, MONDO:0009889.
Polycystic kidney disease 4 (PKD4). Also called: POLYCYSTIC KIDNEY AND HEPATIC DISEASE 1; PKD3; POLYCYSTIC KIDNEY DISEASE 4 WITH OR WITHOUT POLYCYSTIC LIVER DISEASE; Autosomal Recessive Polycystic Kidney Disease – PKHD1; POLYCYSTIC KIDNEY DISEASE, INFANTILE, TYPE I. Identifiers: MedGen C4540575, MONDO:0033004, OMIM 263200.

Allele frequency attached by ClinVar (database versions not stated): gnomAD 0.00002 and 0.00003; TOPMed 0.00002; gnomAD exomes 0.00004; ExAC 0.00006.
gnomAD v4.1: 51 of 1,613,574 alleles (0.0032%); highest among the groups gnomAD compares: South Asian, 0.0055%; no homozygotes.

Submissions (4):

Labcorp Genetics (formerly Invitae), Labcorp
Classification: Uncertain significance for Autosomal recessive polycystic kidney disease. Last evaluated: 2024-12-02. Review status: criteria provided, single submitter. Criteria: Invitae Variant Classification Sherloc (09022015). Collection method: clinical testing. Allele origin: germline.
Comment: This sequence change replaces valine, which is neutral and non-polar, with methionine, which is neutral and non-polar, at codon 847 of the PKHD1 protein (p.Val847Met). This variant is present in population databases (rs778864835, gnomAD 0.01%). This variant has not been reported in the literature in individuals affected with PKHD1-related conditions. ClinVar contains an entry for this variant (Variation ID: 969247). Invitae Evidence Modeling of protein sequence and biophysical properties (such as structural, functional, and spatial information, amino acid conservation, physicochemical variation, residue mobility, and thermodynamic stability) indicates that this missense variant is not expected to disrupt PKHD1 protein function with a negative predictive value of 95%. In summary, the available evidence is currently insufficient to determine the role of this variant in disease. Therefore, it has been classified as a Variant of Uncertain Significance.

Fulgent Genetics
Classification: Uncertain significance for Polycystic kidney disease 4. Last evaluated: 2024-05-30. Review status: criteria provided, single submitter. Criteria: ACMG Guidelines, 2015. Collection method: clinical testing. Allele origin: germline.

Blueprint Genetics
Classification: Uncertain significance. Last evaluated: 2024-05-10. Review status: criteria provided, single submitter. Criteria: ACMG Guidelines, 2015. Collection method: clinical testing. Allele origin: germline.

Natera, Inc.
Classification: Uncertain significance for Autosomal recessive polycystic kidney disease. Last evaluated: 2019-08-13. Review status: no assertion criteria provided. Collection method: clinical testing. Allele origin: germline. Not counted in ClinVar's aggregate classification.